The following is an entry in ClinVar:

NM_001042492.3(NF1):c.1392+750A>G

Gene: NF1 (neurofibromin 1; plus strand). Cytogenetic location: 17q11.2.
Variant type: single nucleotide variant.
Coding change: c.1392+750A>G on transcript NM_001042492.3 (MANE Select); 750 bases into the intron after coding-DNA position 1392, A replaced by G.
Molecular consequence: intron variant.
Genome position (GRCh38, 1-based): chr17:31,207,121, A>G. VCF-style: chr17-31207121-A-G. GRCh37 (hg19) VCF-style: chr17-29534139-A-G.
Other names: c.1392+750A>G (NM_000267.4, NM_001128147.3).
Identifiers: ClinVar variation 3035833 (VCV003035833.3), dbSNP rs991539772, ClinGen allele CA289352900.

ClinVar aggregate classification (germline): Likely benign. Review status: criteria provided, single submitter (1 of 4 stars). 2 submissions from 2 submitters: Likely benign (1). 1 of the submissions does not count toward it. Last evaluated 2024-07-18.

Conditions:
NF1-related disorder. Also called: NF1-related condition. Identifiers: MedGen CN379171.

Allele frequency attached by ClinVar (database versions not stated): gnomAD 0.00012; 1000 Genomes Project 30x 0.00016; TOPMed 0.00016.
gnomAD v4.1: 21 of 152,184 alleles (0.014%); highest among the groups gnomAD compares: Admixed American, 0.026%; no homozygotes.

Submissions (2):

Blueprint Genetics
Classification: Likely benign. Last evaluated: 2024-07-18. Review status: criteria provided, single submitter. Criteria: ACMG Guidelines, 2015. Collection method: clinical testing. Allele origin: germline.

PreventionGenetics, part of Exact Sciences
Classification: Likely benign for NF1-related condition. Last evaluated: 2019-03-05. Review status: no assertion criteria provided. Collection method: clinical testing. Allele origin: germline. Not counted in ClinVar's aggregate classification.
Comment: This variant is classified as likely benign based on ACMG/AMP sequence variant interpretation guidelines (Richards et al. 2015 PMID: 25741868, with internal and published modifications).